The following is an entry in ClinVar:

NM_000334.4(SCN4A):c.548T>G (p.Val183Gly)

Gene: SCN4A (sodium voltage-gated channel alpha subunit 4; minus strand). Cytogenetic location: 17q23.3.
Variant type: single nucleotide variant.
Coding change: c.548T>G on transcript NM_000334.4 (MANE Select); coding-DNA position 548, T replaced by G.
Protein change: p.Val183Gly; replaces valine 183 with glycine.
Molecular consequence: missense variant.
Genome position (GRCh38, 1-based): chr17:63,971,785, A>C on the plus strand (T>G on the coding strand, the complement: SCN4A is on the minus strand). VCF-style: chr17-63971785-A-C. GRCh37 (hg19) VCF-style: chr17-62049145-A-C.
Other names: short protein forms V183G.
Identifiers: ClinVar variation 2732472 (VCV002732472.3), dbSNP rs1252451675, ClinGen allele CA400639094.

ClinVar aggregate classification (germline): Uncertain significance (1 of 4 stars; one submission).

Conditions:
Hyperkalemic periodic paralysis. Also called: Familial hyperkalemic periodic paralysis; Gamstorp disease. Identifiers: Orphanet 682, MedGen C0238357, MONDO:0008224, OMIM 170500, HP:0007215.

Allele frequency attached by ClinVar (database versions not stated): gnomAD exomes below 0.00001; TOPMed below 0.00001.
gnomAD v4.1: 1 of 1,613,388 alleles (0.000062%); highest among the groups gnomAD compares: Non-Finnish European, 0.000085%; no homozygotes.

Submission:

Labcorp Genetics (formerly Invitae), Labcorp
Classification: Uncertain significance for Hyperkalemic periodic paralysis. Last evaluated: 2024-01-12. Review status: criteria provided, single submitter. Criteria: Invitae Variant Classification Sherloc (09022015). Collection method: clinical testing. Allele origin: germline.
Comment: This sequence change replaces valine, which is neutral and non-polar, with glycine, which is neutral and non-polar, at codon 183 of the SCN4A protein (p.Val183Gly). This variant is not present in population databases (gnomAD no frequency). This variant has not been reported in the literature in individuals affected with SCN4A-related conditions. Advanced modeling of protein sequence and biophysical properties (such as structural, functional, and spatial information, amino acid conservation, physicochemical variation, residue mobility, and thermodynamic stability) has been performed at Invitae for this missense variant, however the output from this modeling did not meet the statistical confidence thresholds required to predict the impact of this variant on SCN4A protein function. In summary, the available evidence is currently insufficient to determine the role of this variant in disease. Therefore, it has been classified as a Variant of Uncertain Significance.